The following is an entry in ClinVar:

ClinVar aggregate classification (germline): Benign (1 of 4 stars; one submission).

Allele frequency attached by ClinVar (database versions not stated): 1000 Genomes Project 30x 0.18067; 1000 Genomes Project 0.18151; TOPMed 0.22148; gnomAD 0.22614.
gnomAD v4.1: 33,811 of 151,924 alleles (22%); highest among the groups gnomAD compares: Admixed American, 34%; 4,802 homozygotes.

Submission:

GeneDx
Classification: Benign. Last evaluated: 2018-06-14. Review status: criteria provided, single submitter. Criteria: GeneDx Variant Classification (06012015). Collection method: clinical testing. Allele origin: germline. Affected: yes.
Comment: This variant is considered likely benign or benign based on one or more of the following criteria: it is a conservative change, it occurs at a poorly conserved position in the protein, it is predicted to be benign by multiple in silico algorithms, and/or has population frequency not consistent with disease.

NM_020117.11(LARS1):c.708-306A>C

Gene: LARS1 (leucyl-tRNA synthetase 1; minus strand). Cytogenetic location: 5q32.
Variant type: single nucleotide variant.
Coding change: c.708-306A>C on transcript NM_020117.11 (MANE Select); 306 bases into the intron before coding-DNA position 708, A replaced by C.
Molecular consequence: intron variant.
Genome position (GRCh38, 1-based): chr5:146,159,776, T>G on the plus strand (A>C on the coding strand, the complement: LARS1 is on the minus strand). VCF-style: chr5-146159776-T-G. GRCh37 (hg19) VCF-style: chr5-145539339-T-G.
Other names: c.546-306A>C (NM_001317965.2); c.627-306A>C (NM_016460.4); c.570-306A>C (NM_001317964.2).
Identifiers: ClinVar variation 670000 (VCV000670000.1), dbSNP rs62373789, ClinGen allele CA128856590.